The following is an entry in ClinVar:

NM_207346.3(TSEN54):c.858C>G (p.Asn286Lys)

Gene: TSEN54 (tRNA splicing endonuclease subunit 54; plus strand). Cytogenetic location: 17q25.1.
Variant type: single nucleotide variant.
Coding change: c.858C>G on transcript NM_207346.3 (MANE Select); coding-DNA position 858, C replaced by G.
Protein change: p.Asn286Lys; replaces asparagine 286 with lysine.
Molecular consequence: missense variant.
Genome position (GRCh38, 1-based): chr17:75,521,939, C>G. VCF-style: chr17-75521939-C-G. GRCh37 (hg19) VCF-style: chr17-73518020-C-G.
Other names: short protein forms N286K.
Identifiers: ClinVar variation 2051893 (VCV002051893.4), dbSNP rs765825397, ClinGen allele CA401029281.

ClinVar aggregate classification (germline): Uncertain significance (1 of 4 stars; one submission).

Submission:

Labcorp Genetics (formerly Invitae), Labcorp
Classification: Uncertain significance. Last evaluated: 2021-12-21. Review status: criteria provided, single submitter. Criteria: Invitae Variant Classification Sherloc (09022015). Collection method: clinical testing. Allele origin: germline.
Comment: Algorithms developed to predict the effect of missense changes on protein structure and function (SIFT, PolyPhen-2, Align-GVGD) all suggest that this variant is likely to be tolerated. This variant has not been reported in the literature in individuals affected with TSEN54-related conditions. This variant is not present in population databases (gnomAD no frequency). This sequence change replaces asparagine, which is neutral and polar, with lysine, which is basic and polar, at codon 286 of the TSEN54 protein (p.Asn286Lys). In summary, the available evidence is currently insufficient to determine the role of this variant in disease. Therefore, it has been classified as a Variant of Uncertain Significance.